The following is an entry in ClinVar:

NM_000746.6(CHRNA7):c.76C>T (p.Gln26Ter)

Gene: CHRNA7 (cholinergic receptor nicotinic alpha 7 subunit). Cytogenetic location: 15q13.3.
Variant type: single nucleotide variant.
Coding change: c.76C>T on transcript NM_000746.6 (MANE Select); coding-DNA position 76, C replaced by T.
Protein change: p.Gln26Ter; replaces glutamine 26 with a stop codon.
Molecular consequence: nonsense. On other transcripts: non-coding transcript variant (1).
Genome position (GRCh38, 1-based): chr15:32,030,918, C>T. VCF-style: chr15-32030918-C-T. GRCh37 (hg19) VCF-style: chr15-32323121-C-T.
Other names: c.163C>T, p.Gln55Ter (NM_001190455.3); short protein forms Q26*, Q55*.
Identifiers: ClinVar variation 4845269 (VCV004845269.1), dbSNP rs200918575.
Genomic context (GRCh38, chr15:32,030,918, plus strand): 5'-GCCTGCCCTGAGCCCCCTGCCCGGGTCTTCTCTCCTTAAGTGTCCCTGCAAGGCGAGTTC[C>T]AGAGGAAGCTTTACAAGGAGCTGGTCAAGAACTACAATCCCTTGGAGAGGCCCGTGGCCA-3'

ClinVar aggregate classification (germline): Uncertain significance (0 of 4 stars; one submission).

gnomAD v4.1: 2 of 1,614,126 alleles (0.00012%); highest among the groups gnomAD compares: Non-Finnish European, 0.00017%; no homozygotes.

Submission:

Diagnostics Centre, Carl Von Ossietzky University Oldenburg
Classification: Uncertain significance. Last evaluated: 2025-09-12. Review status: no assertion criteria provided. Collection method: clinical testing. Allele origin: germline. Affected: yes. Observed: 1 variant allele.
Comment: The variant CHRNA7:c.76C>T p.(Gln26Ter) results from a cytosine-to-thymine substitution at nucleotide position c.76. The variant causes the formation of a premature codon at protein position 26. Loss of function has not been described as a mechanism of disease for this gene. The variant has not yet been described in ClinVar or in any publications known to us. The variant is classified as rare in the general population (MAF 1.2 * e-6 in gnomAD, v4.1.0). In summary, this variant is classified as a variant of uncertain significance.